The following is an entry in ClinVar:

NC_000011.9:g.(?_20617213)_(20623070_?)del

Gene: SLC6A5 (solute carrier family 6 member 5; plus strand). Cytogenetic location: 11p15.1.
Variant type: Deletion.
Identifiers: ClinVar variation 3244670 (VCV003244670.1).

ClinVar aggregate classification (germline): Pathogenic (1 of 4 stars; one submission).

Conditions:
Hyperekplexia 3 (HKPX3). Also called: HYPEREKPLEXIA 3, AUTOSOMAL RECESSIVE; HYPEREKPLEXIA 3, AUTOSOMAL DOMINANT. Identifiers: Orphanet 3197, MedGen C3553288, MONDO:0013827, OMIM 614618.

Submission:

Labcorp Genetics (formerly Invitae), Labcorp
Classification: Pathogenic for Hyperekplexia 3. Last evaluated: 2023-07-19. Review status: criteria provided, single submitter. Criteria: Invitae Variant Classification Sherloc (09022015). Collection method: clinical testing. Allele origin: unknown.
Comment: For these reasons, this variant has been classified as Pathogenic. This variant has not been reported in the literature in individuals affected with SLC6A5-related conditions. This variant results in the deletion of exon 1 and part of exon 2 (c.-4006_399delins134) of the SLC6A5 gene. It is expected to result in an absent or disrupted protein product. Loss-of-function variants in SLC6A5 are known to be pathogenic (PMID: 14622583, 16751771, 22700964).

Literature cited by the submitters: PubMed 14622583; PubMed 16751771; PubMed 22700964.